The following is an entry in ClinVar:

ClinVar aggregate classification (germline): Uncertain significance (1 of 4 stars; one submission).

Conditions:
Inborn genetic diseases. Identifiers: MedGen C0950123, MeSH D030342.

Allele frequency attached by ClinVar (database versions not stated): gnomAD exomes below 0.00001; TOPMed below 0.00001.
gnomAD v4.1: 21 of 1,561,610 alleles (0.0013%); highest among the groups gnomAD compares: African/African-American, 0.0054%; no homozygotes.

Submission:

Ambry Genetics
Classification: Uncertain significance for Inborn genetic diseases. Last evaluated: 2022-07-05. Review status: criteria provided, single submitter. Criteria: Ambry Variant Classification Scheme 2023. Collection method: clinical testing. Allele origin: germline.
Comment: The c.1117-3T>C intronic alteration consists of a T to C substitution 3 nucleotides before coding exon 11 in the PAK1 gene. Based on insufficient or conflicting evidence, the clinical significance of this alteration remains unclear.

NM_002576.5(PAK1):c.1117-3T>C

Gene: PAK1 (p21 (RAC1) activated kinase 1; minus strand). Cytogenetic location: 11q13.5.
Variant type: single nucleotide variant.
Coding change: c.1117-3T>C on transcript NM_002576.5 (MANE Select); 3 bases into the intron before coding-DNA position 1117, T replaced by C.
Molecular consequence: intron variant.
Genome position (GRCh38, 1-based): chr11:77,337,426, A>G on the plus strand (T>C on the coding strand, the complement: PAK1 is on the minus strand). VCF-style: chr11-77337426-A-G. GRCh37 (hg19) VCF-style: chr11-77048471-A-G.
Other names: c.823-3T>C (NM_001376304.1, NM_001376305.1, NM_001376302.1); c.1117-3T>C (NM_001376273.1, NM_001376268.1, NM_001128620.2 and 21 more transcripts); c.868-3T>C (NM_001376301.1); c.1117-1167T>C (NM_001376290.1, NM_001376291.1); c.829-3T>C (NM_001376303.1); c.940-3T>C (NM_001376295.1); c.1138-3T>C (NM_001376272.1); c.1108-3T>C (NM_001376294.1).
Identifiers: ClinVar variation 2297021 (VCV002297021.2), dbSNP rs113975614, ClinGen allele CA224854270.
Genomic context (GRCh38, chr11:77,337,426, plus strand): 5'-TCTTGATGTCTCTGTGAATGACCTGGTTCGAATGCAAGAACTCCAGAGCCTGCAGACACT[A>G]TTGAAGTGGTGTGGGCAGGGGGAGAAAGAAAGGACATACATATAATACAGAAGACTTAAT-3'